The following is an entry in ClinVar:

NM_013275.6(ANKRD11):c.7714-1G>C

Gene: ANKRD11 (ankyrin repeat domain 11; minus strand). Cytogenetic location: 16q24.3.
Variant type: single nucleotide variant.
Coding change: c.7714-1G>C on transcript NM_013275.6 (MANE Select); the canonical splice acceptor site of the intron before coding-DNA position 7714, G replaced by C.
Molecular consequence: splice acceptor variant.
Genome position (GRCh38, 1-based): chr16:89,270,910, C>G on the plus strand (G>C on the coding strand, the complement: ANKRD11 is on the minus strand). VCF-style: chr16-89270910-C-G. GRCh37 (hg19) VCF-style: chr16-89337318-C-G.
Other names: c.7714-1G>C (NM_001256183.2, NM_001256182.2).
Identifiers: ClinVar variation 1482344 (VCV001482344.6), dbSNP rs2151676035, ClinGen allele CA397146723.

ClinVar aggregate classification (germline): Likely pathogenic (1 of 4 stars; one submission).

Conditions:
KBG syndrome (KBGS). Also called: ANKRD11-Related KBG Syndrome. Identifiers: Orphanet 2332, MedGen C0220687, MONDO:0007846, OMIM 148050.

Submission:

Labcorp Genetics (formerly Invitae), Labcorp
Classification: Likely pathogenic for KBG syndrome. Last evaluated: 2021-10-14. Review status: criteria provided, single submitter. Criteria: Invitae Variant Classification Sherloc (09022015). Collection method: clinical testing. Allele origin: germline.
Comment: In summary, the currently available evidence indicates that the variant is pathogenic, but additional data are needed to prove that conclusively. Therefore, this variant has been classified as Likely Pathogenic. Algorithms developed to predict the effect of sequence changes on RNA splicing suggest that this variant may disrupt the consensus splice site. This variant has not been reported in the literature in individuals affected with ANKRD11-related conditions. This variant is not present in population databases (ExAC no frequency). This sequence change affects an acceptor splice site in intron 11 of the ANKRD11 gene. It is expected to disrupt RNA splicing. Variants that disrupt the donor or acceptor splice site typically lead to a loss of protein function (PMID: 16199547), and loss-of-function variants in ANKRD11 are known to be pathogenic (PMID: 21782149, 25125236, 25413698, 25652421).

Literature cited by the submitters: PubMed 16199547; PubMed 21782149; PubMed 25125236; PubMed 25413698; PubMed 25652421.